The following is an entry in ClinVar:

NM_002361.4(MAG):c.753C>G (p.Ala251=)

Gene: MAG (myelin associated glycoprotein; plus strand). Cytogenetic location: 19q13.12.
Variant type: single nucleotide variant.
Coding change: c.753C>G on transcript NM_002361.4 (MANE Select); coding-DNA position 753, C replaced by G.
Protein change: p.Ala251=; no amino-acid change (alanine 251 retained).
Molecular consequence: synonymous variant.
Genome position (GRCh38, 1-based): chr19:35,300,187, C>G. VCF-style: chr19-35300187-C-G. GRCh37 (hg19) VCF-style: chr19-35791090-C-G.
Other names: c.678C>G, p.Ala226= (NM_001199216.2); c.753C>G, p.Ala251= (NM_080600.3).
Identifiers: ClinVar variation 707298 (VCV000707298.14), dbSNP rs149210442, ClinGen allele CA9376090.

ClinVar aggregate classification (germline): Likely benign. Review status: criteria provided, multiple submitters, no conflicts (2 of 4 stars). 3 submissions from 3 submitters: Likely benign (2). 1 of the submissions does not count toward it. Last evaluated 2025-11-06.

Conditions:
MAG-related disorder. Also called: MAG-related condition.
Hereditary spastic paraplegia 75. Also called: Spastic paraplegia 75, autosomal recessive. Identifiers: Orphanet 459056, MedGen C4225250, MONDO:0014729, OMIM 616680.

Allele frequency attached by ClinVar (database versions not stated): 1000 Genomes Project 0.00040; TOPMed 0.00057; 1000 Genomes Project 30x 0.00031; gnomAD 0.00049 and 0.00046; ESP Exome Variant Server 0.00069.
gnomAD v4.1: 122 of 1,565,206 alleles (0.0078%); highest among the groups gnomAD compares: African/African-American, 0.14%; no homozygotes.

Submissions (3):

Labcorp Genetics (formerly Invitae), Labcorp
Classification: Likely benign for Hereditary spastic paraplegia 75. Last evaluated: 2025-11-06. Review status: criteria provided, single submitter. Criteria: Invitae Variant Classification Sherloc (09022015). Collection method: clinical testing. Allele origin: germline.

Women's Health and Genetics/Laboratory Corporation of America, LabCorp
Classification: Likely benign. Last evaluated: 2024-06-20. Review status: criteria provided, single submitter. Criteria: LabCorp Variant Classification Summary - May 2015. Collection method: clinical testing. Allele origin: germline.

PreventionGenetics, part of Exact Sciences
Classification: Likely benign for MAG-related condition. Last evaluated: 2020-02-14. Review status: no assertion criteria provided. Collection method: clinical testing. Allele origin: germline. Not counted in ClinVar's aggregate classification.
Comment: This variant is classified as likely benign based on ACMG/AMP sequence variant interpretation guidelines (Richards et al. 2015 PMID: 25741868, with internal and published modifications).